The following is an entry in ClinVar:

ClinVar aggregate classification (germline): Uncertain significance (1 of 4 stars; one submission).

Submission:

Labcorp Genetics (formerly Invitae), Labcorp
Classification: Uncertain significance. Last evaluated: 2025-06-23. Review status: criteria provided, single submitter. Criteria: Invitae Variant Classification Sherloc (09022015). Collection method: clinical testing. Allele origin: germline.
Comment: This sequence change replaces phenylalanine, which is neutral and non-polar, with leucine, which is neutral and non-polar, at codon 126 of the BACH2 protein (p.Phe126Leu). This variant is not present in population databases (gnomAD no frequency). This variant has not been reported in the literature in individuals affected with BACH2-related conditions. ClinVar contains an entry for this variant (Variation ID: 3662586). Invitae Evidence Modeling of protein sequence and biophysical properties (such as structural, functional, and spatial information, amino acid conservation, physicochemical variation, residue mobility, and thermodynamic stability) has been performed for this missense variant. However, the output from this modeling did not meet the statistical confidence thresholds required to predict the impact of this variant on BACH2 protein function. In summary, the available evidence is currently insufficient to determine the role of this variant in disease. Therefore, it has been classified as a Variant of Uncertain Significance.

NM_021813.4(BACH2):c.376T>C (p.Phe126Leu)

Gene: BACH2 (BACH transcriptional regulator 2; minus strand). Cytogenetic location: 6q15.
Variant type: single nucleotide variant.
Coding change: c.376T>C on transcript NM_021813.4 (MANE Select); coding-DNA position 376, T replaced by C.
Protein change: p.Phe126Leu; replaces phenylalanine 126 with leucine.
Molecular consequence: missense variant.
Genome position (GRCh38, 1-based): chr6:89,951,730, A>G on the plus strand (T>C on the coding strand, the complement: BACH2 is on the minus strand). VCF-style: chr6-89951730-A-G. GRCh37 (hg19) VCF-style: chr6-90661449-A-G.
Other names: c.376T>C, p.Phe126Leu (NM_001170794.2); short protein forms F126L.
Identifiers: ClinVar variation 3662586 (VCV003662586.2).
Genomic context (GRCh38, chr6:89,951,730, plus strand): 5'-CCTTCCGGCACACAAACAGGCCATCCTCACTGTTCAGGAGCTGGGTCTGCAGGAAGCTGA[A>G]GCAGGAGTCCTCCAGGTTGTGCATGCGCAGGAACTCAGCACAGCGGATGACCTCGCGGAT-3'
Protein context (NP_068585.1, residues 116-136): LRMHNLEDSC[Phe126Leu]SFLQTQLLNS